The following is an entry in ClinVar:

NM_152743.4(BRAT1):c.460G>A (p.Gly154Arg)

Gene: BRAT1 (BRCA1 associated ATM activator 1; minus strand). Cytogenetic location: 7p22.3.
Variant type: single nucleotide variant.
Coding change: c.460G>A on transcript NM_152743.4 (MANE Select); coding-DNA position 460, G replaced by A.
Protein change: p.Gly154Arg; replaces glycine 154 with arginine.
Molecular consequence: missense variant. On other transcripts: 5 prime UTR variant (1), non-coding transcript variant (1).
Genome position (GRCh38, 1-based): chr7:2,543,933, C>T on the plus strand (G>A on the coding strand, the complement: BRAT1 is on the minus strand). VCF-style: chr7-2543933-C-T. GRCh37 (hg19) VCF-style: chr7-2583567-C-T.
Other names: c.460G>A, p.Gly154Arg (NM_001350626.2); c.-66G>A (NM_001350627.2); short protein forms G154R.
Identifiers: ClinVar variation 1430722 (VCV001430722.6), dbSNP rs2128397475, ClinGen allele CA366632439.

ClinVar aggregate classification (germline): Uncertain significance (1 of 4 stars; one submission).

Conditions:
Neonatal-onset encephalopathy with rigidity and seizures. Also called: Lethal neonatal spasticity-epileptic encephalopathy syndrome. Identifiers: Orphanet 435845, MedGen C3281029, MONDO:0013784, OMIM 614498.

Submission:

Labcorp Genetics (formerly Invitae), Labcorp
Classification: Uncertain significance for Neonatal-onset encephalopathy with rigidity and seizures. Last evaluated: 2022-03-22. Review status: criteria provided, single submitter. Criteria: Invitae Variant Classification Sherloc (09022015). Collection method: clinical testing. Allele origin: germline.
Comment: In summary, the available evidence is currently insufficient to determine the role of this variant in disease. Therefore, it has been classified as a Variant of Uncertain Significance. Algorithms developed to predict the effect of sequence changes on RNA splicing suggest that this variant may disrupt the consensus splice site. Algorithms developed to predict the effect of missense changes on protein structure and function (SIFT, PolyPhen-2, Align-GVGD) all suggest that this variant is likely to be tolerated. This variant has not been reported in the literature in individuals affected with BRAT1-related conditions. This variant is not present in population databases (gnomAD no frequency). This sequence change replaces glycine, which is neutral and non-polar, with arginine, which is basic and polar, at codon 154 of the BRAT1 protein (p.Gly154Arg).